The following is an entry in ClinVar:

ClinVar aggregate classification (germline): Pathogenic. Review status: criteria provided, multiple submitters, no conflicts (2 of 4 stars). 5 submissions from 5 submitters: Pathogenic (5). Last evaluated 2026-06-01.

Conditions:
Retinitis pigmentosa 25 (RP25). Identifiers: Orphanet 791, MedGen C1864446, MONDO:0011272, OMIM 602772.

Submissions (5):

Myriad Genetics, Inc.
Classification: Pathogenic for Retinitis pigmentosa 25. Last evaluated: 2026-06-01. Review status: criteria provided, single submitter. Criteria: Myriad Autosomal Dominant, Autosomal Recessive and X-Linked Classification Criteria (2023). Collection method: clinical testing. Allele origin: unknown.
Comment: NM_001142800.1(EYS):c.2981delC(P994Lfs*10) is a frameshift variant classified as pathogenic in the context of retinitis pigmentosa, EYS-related. P994Lfs*10 has been observed in a case with relevant disease (PMID: 30902645). Relevant functional assessments of this variant are not available in the literature. P994Lfs*10 has not been observed in referenced population frequency databases. In summary, NM_001142800.1(EYS):c.2981delC(P994Lfs*10) is a frameshift variant in a gene where loss of function is a known mechanism of disease, is predicted to disrupt protein function, and has been observed more frequently in cases with the relevant disease than in healthy populations. Please note: this variant was assessed in the context of healthy population screening.

Natera, Inc.
Classification: Pathogenic for Retinitis pigmentosa type 25. Last evaluated: 2025-07-18. Review status: criteria provided, single submitter. Criteria: Natera Variant Classification Schema (03/2026). Collection method: clinical testing. Allele origin: germline.
Comment: The c.2981delC variant in EYS is a frameshift variant predicted to shift the reading frame beginning at codon 994 and leads to a stop codon 10 codons downstream. This variant is expected to result in nonsense mediated decay, truncation, or a dysfunctional protein product. This variant is rare in the general population with a frequency below the threshold expected for the associated phenotype(s). This variant has been observed in one or more individuals affected with the associated recessive disease, as either homozygous or compound heterozygous with a second variant (PMID: 30902645). Given the available evidence, this variant is classified as Pathogenic.

Labcorp Genetics (formerly Invitae), Labcorp
Classification: Pathogenic. Last evaluated: 2025-03-27. Review status: criteria provided, single submitter. Criteria: Invitae Variant Classification Sherloc (09022015). Collection method: clinical testing. Allele origin: germline.
Comment: This sequence change creates a premature translational stop signal (p.Pro994Leufs*10) in the EYS gene. It is expected to result in an absent or disrupted protein product. Loss-of-function variants in EYS are known to be pathogenic (PMID: 18836446, 20333770). This variant is not present in population databases (gnomAD no frequency). This premature translational stop signal has been observed in individual(s) with clinical features of retinitis pigmentosa (PMID: 30902645). ClinVar contains an entry for this variant (Variation ID: 802237). For these reasons, this variant has been classified as Pathogenic.

Mendelics
Classification: Pathogenic for Retinitis pigmentosa 25. Last evaluated: 2019-05-28. Review status: criteria provided, single submitter. Criteria: Mendelics Assertion Criteria 2017. Collection method: clinical testing. Allele origin: unknown.

Clinical Genetics Service, Universitary Hospital 12 de Octubre
Classification: Pathogenic for Retinitis pigmentosa 25. Review status: criteria provided, single submitter. Criteria: ACMG Guidelines, 2015. Collection method: clinical testing. Allele origin: maternal. Affected: yes.

Literature cited by the submitters: PubMed 30902645 (cited by 3 submitters); PubMed 18836446 (cited by Labcorp Genetics (formerly Invitae), Labcorp); PubMed 20333770 (cited by Labcorp Genetics (formerly Invitae), Labcorp).

NM_001142800.2(EYS):c.2981del (p.Pro994fs)

Gene: EYS (EGF-like photoreceptor maintenance factor; minus strand). Cytogenetic location: 6q12.
Variant type: Deletion.
Coding change: c.2981del on transcript NM_001142800.2 (MANE Select); coding-DNA position 2981, one base deleted (C; older notation c.2981delC).
Protein change: p.Pro994fs; shifts the reading frame from proline 994.
Molecular consequence: frameshift variant.
Genome position (GRCh38, 1-based): chr6:64,886,708, G deleted on the plus strand (C on the coding strand, the reverse complement: EYS is on the minus strand); the first of 4 consecutive G bases (chr6:64,886,708-64,886,711); deleting any one gives the same sequence. VCF-style (leftmost placement, unchanged base first): chr6-64886707-AG-A. GRCh37 (hg19) VCF-style: chr6-65596600-AG-A.
Other names: c.2981del, p.Pro994fs (NM_001292009.2); c.2981delC (NM_001142800.1); short protein forms P994fs.
Identifiers: ClinVar variation 802237 (VCV000802237.13), dbSNP rs1583260302, ClinGen allele CA915944330.